The following is an entry in ClinVar:

ClinVar aggregate classification (germline): Uncertain significance. Review status: criteria provided, multiple submitters, no conflicts (2 of 4 stars). 3 submissions from 3 submitters: Uncertain significance (3). Last evaluated 2025-12-10.

Conditions:
Inborn genetic diseases. Identifiers: MedGen C0950123, MeSH D030342.

Allele frequency attached by ClinVar (database versions not stated): gnomAD exomes 0.00001; ExAC 0.00002; TOPMed 0.00003; gnomAD 0.00006.
gnomAD v4.1: 25 of 1,613,996 alleles (0.0015%); highest among the groups gnomAD compares: East Asian, 0.0022%; no homozygotes.

Submissions (3):

Ambry Genetics
Classification: Uncertain significance for Inborn genetic diseases. Last evaluated: 2025-12-10. Review status: criteria provided, single submitter. Criteria: Ambry Variant Classification Scheme 2023. Collection method: clinical testing. Allele origin: germline.

Labcorp Genetics (formerly Invitae), Labcorp
Classification: Uncertain significance. Last evaluated: 2025-11-27. Review status: criteria provided, single submitter. Criteria: Invitae Variant Classification Sherloc (09022015). Collection method: clinical testing. Allele origin: germline.
Comment: This sequence change replaces serine, which is neutral and polar, with leucine, which is neutral and non-polar, at codon 190 of the KIAA0753 protein (p.Ser190Leu). This variant is present in population databases (rs771497107, gnomAD 0.01%). This variant has not been reported in the literature in individuals affected with KIAA0753-related conditions. ClinVar contains an entry for this variant (Variation ID: 2416407). An algorithm developed to predict the effect of missense changes on protein structure and function outputs the following: PolyPhen-2: "Benign". The leucine amino acid residue is found in multiple mammalian species, which suggests that this missense change does not adversely affect protein function. In summary, the available evidence is currently insufficient to determine the role of this variant in disease. Therefore, it has been classified as a Variant of Uncertain Significance.

Blueprint Genetics
Classification: Uncertain significance. Last evaluated: 2024-10-18. Review status: criteria provided, single submitter. Criteria: ACMG Guidelines, 2015. Collection method: clinical testing. Allele origin: germline.

NM_014804.3(KIAA0753):c.569C>T (p.Ser190Leu)

Gene: KIAA0753 (KIAA0753; minus strand). Cytogenetic location: 17p13.1.
Variant type: single nucleotide variant.
Coding change: c.569C>T on transcript NM_014804.3 (MANE Select); coding-DNA position 569, C replaced by T.
Protein change: p.Ser190Leu; replaces serine 190 with leucine.
Molecular consequence: missense variant. On other transcripts: 5 prime UTR variant (1), non-coding transcript variant (3).
Genome position (GRCh38, 1-based): chr17:6,628,266, G>A on the plus strand (C>T on the coding strand, the complement: KIAA0753 is on the minus strand). VCF-style: chr17-6628266-G-A. GRCh37 (hg19) VCF-style: chr17-6531586-G-A.
Other names: c.-666C>T (NM_001351225.2); c.569C>T (NM_014804.2); short protein forms S190L.
Identifiers: ClinVar variation 2416407 (VCV002416407.8), dbSNP rs771497107, ClinGen allele CA8330748.
Genomic context (GRCh38, chr17:6,628,266, plus strand): 5'-ATGTTTTTGTGGTCACCTATCCTGGGATGAGGCTGAAGTCCCGGATCATGGGTGGGTGGC[G>A]AATTTGGCACAGTAAGATCTGACTGGCCTGGATGAGATGAGTAAAGGTATACTTTGGCAC-3'
Protein context (NP_055619.2, residues 180-200): PGQSDLTVPN[Ser190Leu]PPTHDPGLQP